The following is an entry in ClinVar:

ClinVar aggregate classification (germline): Uncertain significance (1 of 4 stars; one submission).

Allele frequency attached by ClinVar (database versions not stated): gnomAD exomes below 0.00001; gnomAD 0.00001; TOPMed 0.00002; ExAC 0.00004.
gnomAD v4.1: 7 of 1,450,672 alleles (0.00048%); highest among the groups gnomAD compares: Admixed American, 0.0054%; no homozygotes.

Submission:

Labcorp Genetics (formerly Invitae), Labcorp
Classification: Uncertain significance. Last evaluated: 2023-12-20. Review status: criteria provided, single submitter. Criteria: Invitae Variant Classification Sherloc (09022015). Collection method: clinical testing. Allele origin: germline.
Comment: This sequence change replaces isoleucine, which is neutral and non-polar, with valine, which is neutral and non-polar, at codon 373 of the APPL1 protein (p.Ile373Val). The frequency data for this variant in the population databases is considered unreliable, as metrics indicate poor data quality at this position in the gnomAD database. This variant has not been reported in the literature in individuals affected with APPL1-related conditions. Advanced modeling of protein sequence and biophysical properties (such as structural, functional, and spatial information, amino acid conservation, physicochemical variation, residue mobility, and thermodynamic stability) performed at Invitae indicates that this missense variant is not expected to disrupt APPL1 protein function with a negative predictive value of 80%. In summary, the available evidence is currently insufficient to determine the role of this variant in disease. Therefore, it has been classified as a Variant of Uncertain Significance.

NM_012096.3(APPL1):c.1117A>G (p.Ile373Val)

Gene: APPL1 (adaptor protein, phosphotyrosine interacting with PH domain and leucine zipper 1; plus strand). Cytogenetic location: 3p14.3.
Variant type: single nucleotide variant.
Coding change: c.1117A>G on transcript NM_012096.3 (MANE Select); coding-DNA position 1117, A replaced by G.
Protein change: p.Ile373Val; replaces isoleucine 373 with valine.
Molecular consequence: missense variant.
Genome position (GRCh38, 1-based): chr3:57,253,703, A>G. VCF-style: chr3-57253703-A-G. GRCh37 (hg19) VCF-style: chr3-57287731-A-G.
Other names: short protein forms I373V.
Identifiers: ClinVar variation 2717883 (VCV002717883.3), dbSNP rs766268541, ClinGen allele CA2463719.